The following is an entry in ClinVar:

ClinVar aggregate classification (germline): Uncertain significance (1 of 4 stars; one submission).

Conditions:
Inborn genetic diseases. Identifiers: MedGen C0950123, MeSH D030342.

gnomAD v4.1: 1 of 1,612,584 alleles (0.000062%); highest among the groups gnomAD compares: African/African-American, 0.0013%; no homozygotes.

Submission:

Ambry Genetics
Classification: Uncertain significance for Inborn genetic diseases. Last evaluated: 2025-03-15. Review status: criteria provided, single submitter. Criteria: Ambry Variant Classification Scheme 2023. Collection method: clinical testing. Allele origin: germline.
Comment: The p.I506V variant (also known as c.1516A>G), located in coding exon 17 of the RTEL1 gene, results from an A to G substitution at nucleotide position 1516. The isoleucine at codon 506 is replaced by valine, an amino acid with highly similar properties. This amino acid position is conserved. In addition, the in silico prediction for this alteration is inconclusive. Based on the available evidence, the clinical significance of this variant remains unclear.

NM_001283009.2(RTEL1):c.1516A>G (p.Ile506Val)

Genes: RTEL1 (regulator of telomere elongation helicase 1; plus strand), RTEL1-TNFRSF6B (RTEL1-TNFRSF6B readthrough (NMD candidate); plus strand). Cytogenetic location: 20q13.33.
Variant type: single nucleotide variant.
Coding change: c.1516A>G on transcript NM_001283009.2 (MANE Select); coding-DNA position 1516, A replaced by G.
Protein change: p.Ile506Val; replaces isoleucine 506 with valine.
Molecular consequence: missense variant. On other transcripts: non-coding transcript variant (1).
Genome position (GRCh38, 1-based): chr20:63,687,971, A>G. VCF-style: chr20-63687971-A-G. GRCh37 (hg19) VCF-style: chr20-62319324-A-G.
Other names: c.847A>G, p.Ile283Val (NM_001283010.1); c.1516A>G, p.Ile506Val (NM_016434.4); c.1588A>G, p.Ile530Val (NM_032957.5); short protein forms I530V, I283V, I506V.
Identifiers: ClinVar variation 3948222 (VCV003948222.1).